The following is an entry in ClinVar:

NM_000208.4(INSR):c.*4760G>A

Gene: INSR (insulin receptor; minus strand). Cytogenetic location: 19p13.2.
Variant type: single nucleotide variant.
Coding change: c.*4760G>A on transcript NM_000208.4 (MANE Select); 4760 bases downstream of the stop codon, G replaced by A.
Molecular consequence: 3 prime UTR variant.
Genome position (GRCh38, 1-based): chr19:7,112,296, C>T on the plus strand (G>A on the coding strand, the complement: INSR is on the minus strand). VCF-style: chr19-7112296-C-T. GRCh37 (hg19) VCF-style: chr19-7112307-C-T.
Other names: c.*4760G>A (NM_001079817.3).
Identifiers: ClinVar variation 330344 (VCV000330344.5), dbSNP rs574836227, ClinGen allele CA10643361.

ClinVar aggregate classification (germline): Likely benign. Review status: criteria provided, single submitter (1 of 4 stars). 3 submissions from 1 submitter: Likely benign (3). Last evaluated 2018-01-13.

Conditions:
Leprechaunism syndrome. Also called: Donohue syndrome; LEPRECHAUNISM. Identifiers: Orphanet 508, MedGen C0265344, MONDO:0009517, OMIM 246200.
Rabson-Mendenhall syndrome. Also called: MENDENHALL SYNDROME; Pineal Hyperplasia, Insulin-Resistant Diabetes Mellitus, and Somatic Abnormalities; Pineal hyperplasia AND diabetes mellitus syndrome. Identifiers: Orphanet 769, MedGen C0271695, MONDO:0009874, OMIM 262190.
Insulin-resistant diabetes mellitus AND acanthosis nigricans. Also called: Insulin-resistance syndrome type A; INSULIN RECEPTOR, DEFECT IN, WITH INSULIN-RESISTANT DIABETES MELLITUS AND ACANTHOSIS NIGRICANS; IRAN, TYPE A; type A insulin resistance; DIABETES MELLITUS, INSULIN-RESISTANT, WITH ACANTHOSIS NIGRICANS, TYPE A. Identifiers: Orphanet 2297, MedGen C0342278, MONDO:0012520, OMIM 610549.

Allele frequency attached by ClinVar (database versions not stated): 1000 Genomes Project 0.00060; 1000 Genomes Project 30x 0.00062; TOPMed 0.00165; gnomAD 0.00178 and 0.00186.

Submissions (3):

Illumina Laboratory Services, Illumina
Classification: Likely benign for Insulin-resistant diabetes mellitus AND acanthosis nigricans. Last evaluated: 2018-01-13. Review status: criteria provided, single submitter. Criteria: ICSL Variant Classification Criteria 13 December 2019. Collection method: clinical testing. Allele origin: germline.
Comment: This variant was observed in the ICSL laboratory as part of a predisposition screen in an ostensibly healthy population. It had not been previously curated by ICSL or reported in the Human Gene Mutation Database (HGMD: prior to June 1st, 2018), and was therefore a candidate for classification through an automated scoring system. Utilizing variant allele frequency, disease prevalence and penetrance estimates, and inheritance mode, an automated score was calculated to assess if this variant is too frequent to cause the disease. Based on the score and internal cut-off values, a variant classified as likely benign is not then subjected to further curation. The score for this variant resulted in a classification of likely benign for this disease.

Illumina Laboratory Services, Illumina
Classification: Likely benign for Rabson-Mendenhall syndrome. Last evaluated: 2018-01-13. Review status: criteria provided, single submitter. Criteria: ICSL Variant Classification Criteria 13 December 2019. Collection method: clinical testing. Allele origin: germline.
Comment: the same text as in the submission from Illumina Laboratory Services, Illumina above.

Illumina Laboratory Services, Illumina
Classification: Likely benign for Leprechaunism syndrome. Last evaluated: 2018-01-13. Review status: criteria provided, single submitter. Criteria: ICSL Variant Classification Criteria 13 December 2019. Collection method: clinical testing. Allele origin: germline.
Comment: the same text as in the submission from Illumina Laboratory Services, Illumina above.